The following is an entry in ClinVar:

ClinVar aggregate classification (germline): Conflicting classifications of pathogenicity. Review status: criteria provided, conflicting classifications (1 of 4 stars). 2 submissions from 2 submitters: Likely pathogenic (1); Uncertain significance (1). Last evaluated 2025-10-26.

Conditions:
Autosomal dominant hypocalcemia 1 (HYPOC1). Also called: HYPOCALCEMIA, FAMILIAL. Identifiers: MedGen C3715128, MONDO:0011013, OMIM 601198.
Familial hypocalciuric hypercalcemia (FHH). Also called: Familial benign hypercalcemia. Identifiers: Orphanet 405, MedGen C1809471, MONDO:0018458.

Submissions (2):

Labcorp Genetics (formerly Invitae), Labcorp
Classification: Uncertain significance for Familial hypocalciuric hypercalcemia; Autosomal dominant hypocalcemia 1. Last evaluated: 2025-10-26. Review status: criteria provided, single submitter. Criteria: Invitae Variant Classification Sherloc (09022015). Collection method: clinical testing. Allele origin: germline.
Comment: This sequence change replaces isoleucine, which is neutral and non-polar, with asparagine, which is neutral and polar, at codon 554 of the CASR protein (p.Ile554Asn). This variant is not present in population databases (gnomAD no frequency). This missense change has been observed in individual(s) with CASR-related conditions and/or hypocalciuric hypercalcemia (PMID: 26963950, 32347971, 38487341; internal data). ClinVar contains an entry for this variant (Variation ID: 3571575). An algorithm developed to predict the effect of missense changes on protein structure and function (PolyPhen-2) suggests that this variant is likely to be disruptive. Experimental studies have shown that this missense change affects CASR function (PMID: 38487341). In summary, the available evidence is currently insufficient to determine the role of this variant in disease. Therefore, it has been classified as a Variant of Uncertain Significance.

Athena Diagnostics
Classification: Likely pathogenic. Last evaluated: 2024-02-15. Review status: criteria provided, single submitter. Criteria: Athena Diagnostics Criteria. Collection method: clinical testing. Allele origin: unknown.
Comment: This variant has been identified in multiple unrelated individuals with clinical features associated with familial hypocalciuric hypercalcemia type 1. This variant has not been reported in large, multi-ethnic general populations. Computational tools predict that this variant is damaging.

Literature cited by the submitters: PubMed 26963950 (cited by Labcorp Genetics (formerly Invitae), Labcorp and Athena Diagnostics); PubMed 32347971 (cited by Labcorp Genetics (formerly Invitae), Labcorp and Athena Diagnostics); PubMed 38487341 (cited by Labcorp Genetics (formerly Invitae), Labcorp).

NM_000388.4(CASR):c.1661T>A (p.Ile554Asn)

Gene: CASR (calcium sensing receptor; plus strand). Cytogenetic location: 3q21.1.
Variant type: single nucleotide variant.
Coding change: c.1661T>A on transcript NM_000388.4 (MANE Select); coding-DNA position 1661, T replaced by A.
Protein change: p.Ile554Asn; replaces isoleucine 554 with asparagine.
Molecular consequence: missense variant.
Genome position (GRCh38, 1-based): chr3:122,282,165, T>A. VCF-style: chr3-122282165-T-A. GRCh37 (hg19) VCF-style: chr3-122001012-T-A.
Other names: c.1691T>A, p.Ile564Asn (NM_001178065.2); short protein forms I564N, I554N.
Identifiers: ClinVar variation 3571575 (VCV003571575.3).